The following is an entry in ClinVar:

NM_000475.5(NR0B1):c.8_9delinsAA (p.Gly3Glu)

Gene: NR0B1 (nuclear receptor subfamily 0 group B member 1; minus strand). Cytogenetic location: Xp21.2.
Variant type: Indel.
Coding change: c.8_9delinsAA on transcript NM_000475.5 (MANE Select); coding-DNA positions 8 to 9, GC replaced by AA.
Protein change: p.Gly3Glu; replaces glycine 3 with glutamic acid.
Molecular consequence: missense variant.
Genome position (GRCh38, 1-based): chrX:30,309,355-30,309,356, GC replaced by TT on the plus strand (GC replaced by AA on the coding strand, the reverse complement: NR0B1 is on the minus strand). VCF-style: chrX-30309355-GC-TT. GRCh37 (hg19) VCF-style: chrX-30327472-GC-TT.
Other names: short protein forms G3E.
Identifiers: ClinVar variation 2160392 (VCV002160392.1), dbSNP rs2519052273, ClinGen allele CA2580100559.

ClinVar aggregate classification (germline): Uncertain significance (1 of 4 stars; one submission).

Conditions:
Congenital adrenal hypoplasia, X-linked (AHC). Also called: X-linked AHC; ADRENAL HYPOPLASIA, CONGENITAL, WITH HYPOGONADOTROPIC HYPOGONADISM; Isolated X-Linked Adrenal Hypoplasia Congenita; X-Linked Adrenal Hypoplasia Congenita. Identifiers: Orphanet 95702, MedGen C0342482, MONDO:0010264, OMIM 300200. Disease mechanism: loss of function.
46,XY sex reversal 2. Also called: Dosage-sensitive sex reversal; NR0B1-Related 46,XY CGD; NR0B1-related 46,XY complete gonadal dysgenesis; 46XY sex reversal 2, dosage-sensitive; 46,XY SEX REVERSAL, DAX1-RELATED. Identifiers: MedGen C1848296, MONDO:0010226, OMIM 300018.

Submission:

Labcorp Genetics (formerly Invitae), Labcorp
Classification: Uncertain significance for Congenital adrenal hypoplasia, X-linked; 46,XY sex reversal 2. Last evaluated: 2022-03-11. Review status: criteria provided, single submitter. Criteria: Invitae Variant Classification Sherloc (09022015). Collection method: clinical testing. Allele origin: germline.
Comment: This sequence change replaces glycine, which is neutral and non-polar, with glutamic acid, which is acidic and polar, at codon 3 of the NR0B1 protein (p.Gly3Glu). This variant is present in population databases (no rsID available, gnomAD 0.07%). This variant has not been reported in the literature in individuals affected with NR0B1-related conditions. Algorithms developed to predict the effect of missense changes on protein structure and function are either unavailable or do not agree on the potential impact of this missense change (SIFT: "Not Available"; PolyPhen-2: "Probably Damaging"; Align-GVGD: "Not Available"). In summary, the available evidence is currently insufficient to determine the role of this variant in disease. Therefore, it has been classified as a Variant of Uncertain Significance.